The following is an entry in ClinVar:

ClinVar aggregate classification (germline): Uncertain significance (0 of 4 stars; one submission).

Submission:

Martin Pollak Laboratory,  Beth Israel Deaconess Medical Center
Classification: Uncertain significance. Review status: no assertion criteria provided. Collection method: not provided. Allele origin: unknown.
Comment: Lower and higher UCa2+ groups
ClinVar note: Converted during submission from unknown to Uncertain significance.

NM_000316.3(PTH1R):c.678G>T (p.Leu226=)

Gene: PTH1R (parathyroid hormone 1 receptor; plus strand). Cytogenetic location: 3p21.31.
Variant type: single nucleotide variant.
Coding change: c.678G>T on transcript NM_000316.3 (MANE Select); coding-DNA position 678, G replaced by T.
Protein change: p.Leu226=; no amino-acid change (leucine 226 retained).
Molecular consequence: synonymous variant.
Genome position (GRCh38, 1-based): chr3:46,898,701, G>T. VCF-style: chr3-46898701-G-T. GRCh37 (hg19) VCF-style: chr3-46940191-G-T.
Other names: c.678G>T, p.Leu226= (NM_001184744.1).
Identifiers: ClinVar variation 64401 (VCV000064401.2), dbSNP rs387907456, ClinGen allele CA216064.